The following is an entry in ClinVar:

ClinVar aggregate classification (germline): Uncertain significance (1 of 4 stars; one submission).

Allele frequency attached by ClinVar (database versions not stated): TOPMed below 0.00001; gnomAD exomes 0.00001; ExAC 0.00002.
gnomAD v4.1: 8 of 1,614,080 alleles (0.0005%); highest among the groups gnomAD compares: Non-Finnish European, 0.00059%; no homozygotes.

Submission:

Labcorp Genetics (formerly Invitae), Labcorp
Classification: Uncertain significance. Last evaluated: 2021-10-30. Review status: criteria provided, single submitter. Criteria: Invitae Variant Classification Sherloc (09022015). Collection method: clinical testing. Allele origin: germline.
Comment: In summary, the available evidence is currently insufficient to determine the role of this variant in disease. Therefore, it has been classified as a Variant of Uncertain Significance. Algorithms developed to predict the effect of missense changes on protein structure and function (SIFT, PolyPhen-2, Align-GVGD) all suggest that this variant is likely to be tolerated. This variant has not been reported in the literature in individuals affected with TALDO1-related conditions. This variant is present in population databases (rs752356764, gnomAD 0.003%). This sequence change replaces serine, which is neutral and polar, with asparagine, which is neutral and polar, at codon 228 of the TALDO1 protein (p.Ser228Asn).

NM_006755.2(TALDO1):c.683G>A (p.Ser228Asn)

Gene: TALDO1 (transaldolase 1; plus strand). Cytogenetic location: 11p15.5.
Variant type: single nucleotide variant.
Coding change: c.683G>A on transcript NM_006755.2 (MANE Select); coding-DNA position 683, G replaced by A.
Protein change: p.Ser228Asn; replaces serine 228 with asparagine.
Molecular consequence: missense variant.
Genome position (GRCh38, 1-based): chr11:763,792, G>A. VCF-style: chr11-763792-G-A. GRCh37 (hg19) VCF-style: chr11-763792-G-A.
Other names: short protein forms S228N.
Identifiers: ClinVar variation 1446059 (VCV001446059.6), dbSNP rs752356764, ClinGen allele CA5788262.